The following is an entry in ClinVar:

NM_170606.3(KMT2C):c.8633T>G (p.Phe2878Cys)

Gene: KMT2C (lysine methyltransferase 2C; minus strand). Cytogenetic location: 7q36.1.
Variant type: single nucleotide variant.
Coding change: c.8633T>G on transcript NM_170606.3 (MANE Select); coding-DNA position 8633, T replaced by G.
Protein change: p.Phe2878Cys; replaces phenylalanine 2878 with cysteine.
Molecular consequence: missense variant.
Genome position (GRCh38, 1-based): chr7:152,176,820, A>C on the plus strand (T>G on the coding strand, the complement: KMT2C is on the minus strand). VCF-style: chr7-152176820-A-C. GRCh37 (hg19) VCF-style: chr7-151873905-A-C.
Other names: short protein forms F2878C.
Identifiers: ClinVar variation 2502482 (VCV002502482.1), dbSNP rs2129113709, ClinGen allele CA370078160.
Genomic context (GRCh38, chr7:152,176,820, plus strand): 5'-GTGGATGCCTGAATGACATTTGCACTGGGGCCAGCAGTTTCTCGATTGGTTCTTTTCTCA[A>C]ATAGATCTGGATCACAAGGATGCAAAGAAGTCTTTTCTCCATCATTTAGGTCTGAGTGAG-3'
Protein context (NP_733751.2, residues 2868-2888): TSLHPCDPDL[Phe2878Cys]EKRTNRETAG

ClinVar aggregate classification (germline): Uncertain significance (1 of 4 stars; one submission).

Submission:

GeneDx
Classification: Uncertain significance. Last evaluated: 2022-11-18. Review status: criteria provided, single submitter. Criteria: GeneDx Variant Classification Process June 2021. Collection method: clinical testing. Allele origin: germline. Affected: yes.
Comment: Not observed at significant frequency in large population cohorts (gnomAD); In silico analysis supports that this missense variant does not alter protein structure/function; Has not been previously published as pathogenic or benign to our knowledge